The following is an entry in ClinVar:

NM_001111125.3(IQSEC2):c.1341CAC[1] (p.Thr449del)

Gene: IQSEC2 (IQ motif and Sec7 domain ArfGEF 2; minus strand). Cytogenetic location: Xp11.22.
Variant type: Microsatellite.
Coding change: c.1341CAC[1] on transcript NM_001111125.3 (MANE Select); one copy of the 3-base unit CAC starting at c.1341; the reference has two copies in a row; one copy, 3 bases deleted.
Protein change: p.Thr449del; deletes threonine 449.
Genome position (GRCh38, 1-based): chrX:53,254,585-53,254,587, GTG deleted on the plus strand (CAC on the coding strand, the reverse complement: IQSEC2 is on the minus strand); deleting any 3 consecutive bases within chrX:53,254,585-53,254,590 gives the same sequence; the position shown is the placement nearest the transcript's 3' end. VCF-style (leftmost placement, unchanged base first): chrX-53254584-TGTG-T. GRCh37 (hg19) VCF-style: chrX-53283766-TGTG-T.
Other names: c.1341CAC[1], p.Thr449del (NM_001410736.1, NM_001441092.1); c.843CAC[1], p.Thr283del (NM_001441093.1); c.630CAC[1], p.Thr212del (NM_001441094.1, NM_001441095.1); c.726CAC[1], p.Thr244del (NM_015075.2); short protein forms T212del, T244del, T283del, T449del.
Identifiers: ClinVar variation 4776220 (VCV004776220.1).

ClinVar aggregate classification (germline): Uncertain significance (1 of 4 stars; one submission).

Conditions:
Intellectual developmental disorder, X-linked 1. Also called: Atkin Flaitz Patil Smith syndrome; MENTAL RETARDATION, X-LINKED 18; MENTAL RETARDATION, X-LINKED 78; Intellectual disability, X-linked 1. Identifiers: Orphanet 777, MedGen C2931498, MONDO:0010656, OMIM 309530.

Submission:

Labcorp Genetics (formerly Invitae), Labcorp
Classification: Uncertain significance for Intellectual developmental disorder, X-linked 1. Last evaluated: 2025-02-06. Review status: criteria provided, single submitter. Criteria: Invitae Variant Classification Sherloc (09022015). Collection method: clinical testing. Allele origin: germline.
Comment: This variant, c.1344_1346del, results in the deletion of 1 amino acid(s) of the IQSEC2 protein (p.Thr449del), but otherwise preserves the integrity of the reading frame. This variant is present in population databases (no rsID available, gnomAD 0.004%). This variant has not been reported in the literature in individuals affected with IQSEC2-related conditions. Experimental studies and prediction algorithms are not available or were not evaluated, and the functional significance of this variant is currently unknown. In summary, the available evidence is currently insufficient to determine the role of this variant in disease. Therefore, it has been classified as a Variant of Uncertain Significance.